The following is an entry in ClinVar:

NM_024844.5(NUP85):c.1828AGA[1] (p.Arg611del)

Gene: NUP85 (nucleoporin 85; plus strand). Cytogenetic location: 17q25.1.
Variant type: Microsatellite.
Coding change: c.1828AGA[1] on transcript NM_024844.5 (MANE Select); one copy of the 3-base unit AGA starting at c.1828; the reference has two copies in a row; one copy, 3 bases deleted.
Protein change: p.Arg611del; deletes arginine 611.
Molecular consequence: inframe deletion.
Genome position (GRCh38, 1-based): chr17:75,235,163-75,235,165, AGA deleted; deleting any 3 consecutive bases within chr17:75,235,159-75,235,165 gives the same sequence; the position shown is the placement nearest the transcript's 3' end. VCF-style (leftmost placement, unchanged base first): chr17-75235158-CAAG-C. GRCh37 (hg19) VCF-style: chr17-73231253-CAAG-C.
Other names: c.1690AGA[1], p.Arg565del (NM_001303276.2); c.1693AGA[1], p.Arg566del (NM_001330472.2); short protein forms R611del, R565del, R566del.
Identifiers: ClinVar variation 1926874 (VCV001926874.5), dbSNP rs1263527106, ClinGen allele CA775031454.

ClinVar aggregate classification (germline): Uncertain significance (1 of 4 stars; one submission).

Submission:

Labcorp Genetics (formerly Invitae), Labcorp
Classification: Uncertain significance. Last evaluated: 2022-06-28. Review status: criteria provided, single submitter. Criteria: Invitae Variant Classification Sherloc (09022015). Collection method: clinical testing. Allele origin: germline.
Comment: This variant, c.1831_1833del, results in the deletion of 1 amino acid(s) of the NUP85 protein (p.Arg611del), but otherwise preserves the integrity of the reading frame. In summary, the available evidence is currently insufficient to determine the role of this variant in disease. Therefore, it has been classified as a Variant of Uncertain Significance. Experimental studies and prediction algorithms are not available or were not evaluated, and the functional significance of this variant is currently unknown. This variant has not been reported in the literature in individuals affected with NUP85-related conditions. This variant is not present in population databases (gnomAD no frequency).